The following is an entry in ClinVar:

ClinVar aggregate classification (germline): Uncertain significance. Review status: reviewed by expert panel (3 of 4 stars). 3 submissions from 3 submitters: Uncertain significance (1). 2 of the submissions do not count toward it. Last evaluated 2024-07-11.

Conditions:
Inborn genetic diseases. Identifiers: MedGen C0950123, MeSH D030342.
Hereditary thrombocytopenia and hematologic cancer predisposition syndrome. Identifiers: Orphanet 71290, MedGen CN281654, MONDO:0011071.
Hereditary thrombocytopenia and hematological cancer predisposition syndrome associated with RUNX1. Also called: Familial Platelet Disorder with Propensity to Acute Myelogenous Leukemia; PLATELET DISORDER, ASPIRIN-LIKE; RUNX1 Familial Platelet Disorder with Associated Myeloid Malignancies; Familial thrombocytopenia with propensity to acute myelogenous leukemia. Identifiers: Orphanet 71290, MedGen C1832388, MeSH C563324, MONDO:0100083, OMIM 601399.

Submissions (3):

ClinGen Myeloid Malignancy Variant Curation Expert Panel
Classification: Uncertain significance for Hereditary thrombocytopenia and hematologic cancer predisposition syndrome. Last evaluated: 2024-07-11. Review status: reviewed by expert panel. Criteria: ClinGen MyeloMalig ACMG Specifications v2. Collection method: curation. Allele origin: germline. Inheritance: Autosomal dominant inheritance.
Comment: NM_001754.5(RUNX1):c.967+5G>A is an intronic variant that affects intron 8 at the canonical Donor site c.967 (SpliceAI value = Donor Loss 0.78 ≥0.38) (PVS1_strong). This variant is completely absent from all population databases with at least 20x coverage for RUNX1 (PM2_supporting). In summary, the clinical significance of this variant is uncertain. ACMG/AMP criteria applied, as specified by the Myeloid Malignancy Variant Curation Expert Panel for RUNX1: PVS1_strong, PM2_supporting.

Ambry Genetics
Classification: Uncertain significance for Inborn genetic diseases. Last evaluated: 2026-07-07. Review status: criteria provided, single submitter. Criteria: Ambry Variant Classification Scheme 2023. Collection method: clinical testing. Allele origin: germline. Not counted in ClinVar's aggregate classification.
Comment: The c.967+5G>A intronic variant results from a G to A substitution 5 nucleotides after coding exon 7 in the RUNX1 gene. This nucleotide position is highly conserved in available vertebrate species. In silico splice site analysis predicts that this alteration will weaken the native splice donor site; however, direct evidence is insufficient at this time (Ambry internal data). Based on the available evidence, the clinical significance of this variant remains unclear.

Labcorp Genetics (formerly Invitae), Labcorp
Classification: Uncertain significance for Hereditary thrombocytopenia and hematological cancer predisposition syndrome associated with RUNX1. Last evaluated: 2023-04-27. Review status: criteria provided, single submitter. Criteria: Invitae Variant Classification Sherloc (09022015). Collection method: clinical testing. Allele origin: germline. Not counted in ClinVar's aggregate classification.
Comment: This sequence change falls in intron 8 of the RUNX1 gene. It does not directly change the encoded amino acid sequence of the RUNX1 protein. It affects a nucleotide within the consensus splice site. This variant is not present in population databases (gnomAD no frequency). This variant has not been reported in the literature in individuals affected with RUNX1-related conditions. ClinVar contains an entry for this variant (Variation ID: 1005132). Variants that disrupt the consensus splice site are a relatively common cause of aberrant splicing (PMID: 17576681, 9536098). Algorithms developed to predict the effect of sequence changes on RNA splicing suggest that this variant may disrupt the consensus splice site. In summary, the available evidence is currently insufficient to determine the role of this variant in disease. Therefore, it has been classified as a Variant of Uncertain Significance.

Literature cited by the submitters: PubMed 17576681 (cited by Labcorp Genetics (formerly Invitae), Labcorp); PubMed 9536098 (cited by Labcorp Genetics (formerly Invitae), Labcorp).

NM_001754.5(RUNX1):c.967+5G>A

Gene: RUNX1 (RUNX family transcription factor 1; minus strand). Cytogenetic location: 21q22.12.
Variant type: single nucleotide variant.
Coding change: c.967+5G>A on transcript NM_001754.5 (MANE Select); 5 bases into the intron after coding-DNA position 967, G replaced by A.
Molecular consequence: intron variant.
Genome position (GRCh38, 1-based): chr21:34,799,296, C>T on the plus strand (G>A on the coding strand, the complement: RUNX1 is on the minus strand). VCF-style: chr21-34799296-C-T. GRCh37 (hg19) VCF-style: chr21-36171593-C-T.
Other names: c.886+5G>A (NM_001001890.3); c.967+5G>A (NM_001754.4).
Identifiers: ClinVar variation 1005132 (VCV001005132.8), dbSNP rs2056574406, ClinGen allele CA2387257476.